The following is an entry in ClinVar:

NM_206926.2(SELENON):c.1273C>T (p.Gln425Ter)

Gene: SELENON (selenoprotein N; plus strand). Cytogenetic location: 1p36.11.
Variant type: single nucleotide variant.
Coding change: c.1273C>T on transcript NM_206926.2 (MANE Select); coding-DNA position 1273, C replaced by T.
Protein change: p.Gln425Ter; replaces glutamine 425 with a stop codon.
Molecular consequence: nonsense.
Genome position (GRCh38, 1-based): chr1:25,812,780, C>T. VCF-style: chr1-25812780-C-T. GRCh37 (hg19) VCF-style: chr1-26139271-C-T.
Other names: NM_020451.3(SELENON):c.1375C>T; p.Gln459Ter; c.1375C>T, p.Gln459Ter (NM_020451.3); short protein forms Q459*, Q425*.
Identifiers: ClinVar variation 575921 (VCV000575921.9), dbSNP rs760063405, ClinGen allele CA696841.
Genomic context (GRCh38, chr1:25,812,780, plus strand): 5'-CGAGCCAAGGCTGAGAACAAGCTGGTGCACTCAATCCTGCTGTGGGGGGCCCTGGATGAC[C>T]AGTCCTGCTGAGGTGAGGGGCCCGGCTGGATCTAAGGGGAGCAGTGGGAAAGTCCACACC-3'

ClinVar aggregate classification (germline): Pathogenic/Likely pathogenic. Review status: criteria provided, multiple submitters, no conflicts (2 of 4 stars). 2 submissions from 2 submitters: Pathogenic (1); Likely pathogenic (1). Last evaluated 2023-01-24.

Conditions:
Eichsfeld type congenital muscular dystrophy (CMYO3). Also called: MYOPATHY, SEPN1-RELATED; Rigid spine muscular dystrophy 1; SELENON-related myopathy; Congenital myopathy 3 with rigid spine. Identifiers: MedGen C0410180, MONDO:0100100, OMIM 602771.

Allele frequency attached by ClinVar (database versions not stated): gnomAD exomes below 0.00001 and 0.00001; ExAC 0.00002.

Submissions (2):

Broad Center for Mendelian Genomics, Broad Institute of MIT and Harvard
Classification: Likely pathogenic. Last evaluated: 2023-01-24. Review status: criteria provided, single submitter. Criteria: ACMG Guidelines, 2015. Collection method: curation. Allele origin: germline. Inheritance: Autosomal recessive inheritance.
Comment: The p.Gln459Ter variant in SELENON has not been previously reported in the literature in individuals with SELENON-RM but has been identified in 0.002% (2/111632) of European (non-Finnish) chromosomes by the Genome Aggregation Database (gnomAD; dbSNP ID: rs760063405). Although this variant has been seen in the general population in a heterozygous state, its frequency is low enough to be consistent with a recessive carrier frequency. This variant has also been reported in ClinVar (Variation ID#: 575921) and has been interpreted as likely pathogenic by Invitae. This nonsense variant leads to a premature termination codon at position 459 which is predicted to lead to a truncated or absent protein. Loss of function of the SELENON gene is an established disease mechanism in autosomal recessive SELENON-RM. In summary, although additional studies are required to fully establish its clinical significance, this variant is likely pathogenic for autosomal recessive SELENON-RM. ACMG/AMP Criteria applied: PVS1, PM2 (Richards 2015).

Labcorp Genetics (formerly Invitae), Labcorp
Classification: Pathogenic for Eichsfeld type congenital muscular dystrophy. Last evaluated: 2019-07-08. Review status: criteria provided, single submitter. Criteria: Invitae Variant Classification Sherloc (09022015). Collection method: clinical testing. Allele origin: germline.
Comment: For these reasons, this variant has been classified as Pathogenic. Loss-of-function variants in SELENON are known to be pathogenic (PMID: 21131290, 21670436). This variant has not been reported in the literature in individuals with SELENON-related disease. This variant is present in population databases (rs760063405, ExAC 0.003%). This sequence change creates a premature translational stop signal (p.Gln459*) in the SELENON gene. It is expected to result in an absent or disrupted protein product.

Literature cited by the submitters: PubMed 21131290 (cited by Labcorp Genetics (formerly Invitae), Labcorp); PubMed 21670436 (cited by Labcorp Genetics (formerly Invitae), Labcorp).